The following is an entry in ClinVar:

NM_003036.4(SKI):c.1474+5G>A

Gene: SKI (SKI proto-oncogene; plus strand). Cytogenetic location: 1p36.32.
Variant type: single nucleotide variant.
Coding change: c.1474+5G>A on transcript NM_003036.4 (MANE Select); 5 bases into the intron after coding-DNA position 1474, G replaced by A.
Molecular consequence: intron variant.
Genome position (GRCh38, 1-based): chr1:2,304,107, G>A. VCF-style: chr1-2304107-G-A. GRCh37 (hg19) VCF-style: chr1-2235546-G-A.
Identifiers: ClinVar variation 3702735 (VCV003702735.2).

ClinVar aggregate classification (germline): Uncertain significance (1 of 4 stars; one submission).

Conditions:
Shprintzen-Goldberg syndrome (SGS). Also called: Marfanoid disorder with craniosynostosis type 1; Marfanoid craniosynostosis syndrome; Shprintzen-Goldberg marfanoid syndrome; SHPRINTZEN-GOLDBERG CRANIOSYNOSTOSIS SYNDROME; CRANIOSYNOSTOSIS WITH ARACHNODACTYLY AND ABDOMINAL HERNIAS. Identifiers: Orphanet 2462, MedGen C1321551, MONDO:0008426, OMIM 182212.

Submission:

Labcorp Genetics (formerly Invitae), Labcorp
Classification: Uncertain significance for Shprintzen-Goldberg syndrome. Last evaluated: 2024-02-20. Review status: criteria provided, single submitter. Criteria: Invitae Variant Classification Sherloc (09022015). Collection method: clinical testing. Allele origin: germline.
Comment: This sequence change falls in intron 4 of the SKI gene. It does not directly change the encoded amino acid sequence of the SKI protein. It affects a nucleotide within the consensus splice site. This variant is not present in population databases (gnomAD no frequency). This variant has not been reported in the literature in individuals affected with SKI-related conditions. Variants that disrupt the consensus splice site are a relatively common cause of aberrant splicing (PMID: 17576681, 9536098). Algorithms developed to predict the effect of sequence changes on RNA splicing suggest that this variant may disrupt the consensus splice site. In summary, the available evidence is currently insufficient to determine the role of this variant in disease. Therefore, it has been classified as a Variant of Uncertain Significance.

Literature cited by the submitters: PubMed 17576681; PubMed 9536098.